The following is an entry in ClinVar:

NM_021096.4(CACNA1I):c.425A>G (p.Lys142Arg)

Gene: CACNA1I (calcium voltage-gated channel subunit alpha1 I; plus strand). Cytogenetic location: 22q13.1.
Variant type: single nucleotide variant.
Coding change: c.425A>G on transcript NM_021096.4 (MANE Select); coding-DNA position 425, A replaced by G.
Protein change: p.Lys142Arg; replaces lysine 142 with arginine.
Molecular consequence: missense variant.
Genome position (GRCh38, 1-based): chr22:39,600,596, A>G. VCF-style: chr22-39600596-A-G. GRCh37 (hg19) VCF-style: chr22-39996601-A-G.
Other names: c.425A>G, p.Lys142Arg (NM_001003406.2); short protein forms K142R.
Identifiers: ClinVar variation 4884839 (VCV004884839.1).

ClinVar aggregate classification (germline): Uncertain significance (0 of 4 stars; one submission).

Conditions:
Neurodevelopmental disorder with speech impairment and with or without seizures. Also called: Neurodevelopmental disorder with variable intellectual disability and speech impairment, with or without seizures. Identifiers: MedGen C5774252, MONDO:0859313, OMIM 620114.

Submission:

Hong-Tao Li Lab, Institute of Brain Science and Brain-inspired Research, Shandong First Medical University & Shandong Academy of Medical Sciences China
Classification: Uncertain significance for Neurodevelopmental disorder with speech impairment and with or without seizures. Review status: no assertion criteria provided. Collection method: research. Allele origin: germline. Inheritance: Autosomal dominant inheritance. Affected: yes. Observed: 1 variant allele, 1 heterozygote.
Comment: Observed in affected individuals from a Pakistani neurodevelopmental-disorder research cohort of 263 individuals. Classification assigned using the ACMG/AMP framework.